The following is an entry in ClinVar:

NM_000268.4(NF2):c.1753G>A (p.Ala585Thr)

Gene: NF2 (NF2, moesin-ezrin-radixin like (MERLIN) tumor suppressor; plus strand). Cytogenetic location: 22q12.2.
Variant type: single nucleotide variant.
Coding change: c.1753G>A on transcript NM_000268.4 (MANE Select); coding-DNA position 1753, G replaced by A.
Protein change: p.Ala585Thr; replaces alanine 585 with threonine.
Molecular consequence: missense variant. On other transcripts: 3 prime UTR variant (5), non-coding transcript variant (1).
Genome position (GRCh38, 1-based): chr22:29,694,767, G>A. VCF-style: chr22-29694767-G-A. GRCh37 (hg19) VCF-style: chr22-30090756-G-A.
Other names: c.*25G>A (NM_016418.5, NM_181828.3, NM_181829.3 and 1 more transcripts); c.*40G>A (NM_181832.3); c.463G>A, p.Ala155Thr (NM_181833.3); short protein forms A585T, A155T.
Identifiers: ClinVar variation 134897 (VCV000134897.28), dbSNP rs145446060, ClinGen allele CA021394.

ClinVar aggregate classification (germline): Conflicting classifications of pathogenicity. Review status: criteria provided, conflicting classifications (1 of 4 stars). 9 submissions from 9 submitters: Uncertain significance (1); Benign (1); Likely benign (6). 1 of the submissions does not count toward it. Last evaluated 2026-01-16.

Conditions:
Hereditary cancer-predisposing syndrome. Also called: Tumor predisposition; Hereditary neoplastic syndrome; Hereditary Cancer Syndrome; Neoplastic Syndromes, Hereditary. Identifiers: Orphanet 140162, MedGen C0027672, MeSH D009386, MONDO:0015356.
Neurofibromatosis, type 2 (SWNV). Also called: NF2-Related Schwannomatosis; SCHWANNOMATOSIS, VESTIBULAR; BILATERAL ACOUSTIC NEUROFIBROMATOSIS. Identifiers: Orphanet 637, MedGen C0027832, MONDO:0007039, OMIM 101000. Disease mechanism: loss of function.

Allele frequency attached by ClinVar (database versions not stated): gnomAD exomes 0.00014; ExAC 0.00017; gnomAD 0.00038 and 0.00040; TOPMed 0.00047; ESP Exome Variant Server 0.00054; 1000 Genomes Project 30x 0.00062; 1000 Genomes Project 0.00080.
gnomAD v4.1: 152 of 1,613,584 alleles (0.0094%); highest among the groups gnomAD compares: African/African-American, 0.11%; no homozygotes.

Submissions (9):

Labcorp Genetics (formerly Invitae), Labcorp
Classification: Likely benign for Neurofibromatosis, type 2. Last evaluated: 2026-01-16. Review status: criteria provided, single submitter. Criteria: Invitae Variant Classification Sherloc (09022015). Collection method: clinical testing. Allele origin: germline.

CeGaT Center for Human Genetics Tuebingen
Classification: Likely benign. Last evaluated: 2025-11-01. Review status: criteria provided, single submitter. Criteria: CeGaT Center For Human Genetics Tuebingen Variant Classification Criteria Version 2. Collection method: clinical testing. Allele origin: germline. Affected: yes. Observed: 1 variant allele.
Comment: NF2: BP4, BS1

KCCC/NGS Laboratory, Kuwait Cancer Control Center
Classification: Benign for Neurofibromatosis, type 2. Last evaluated: 2025-02-01. Review status: criteria provided, single submitter. Criteria: ACMG Guidelines, 2015. Collection method: clinical testing. Allele origin: germline. Affected: no.

All of Us Research Program, National Institutes of Health
Classification: Likely benign for Neurofibromatosis, type 2. Last evaluated: 2024-09-23. Review status: criteria provided, single submitter. Criteria: ACMG Guidelines, 2015. Collection method: clinical testing. Allele origin: germline. Inheritance: Autosomal dominant inheritance. Observed: 29 variant alleles, 29 heterozygotes.
Comment: This study involves interpretation of variants in research participants for the purpose of population health screening. Participant phenotype was not available at the time of variant classification. Additional details can be found in publication PMID: 35346344, PMCID: PMC8962531

Blueprint Genetics
Classification: Likely benign. Last evaluated: 2024-03-06. Review status: criteria provided, single submitter. Criteria: ACMG Guidelines, 2015. Collection method: clinical testing. Allele origin: germline.

Revvity Omics, Revvity
Classification: Uncertain significance for Neurofibromatosis, type 2. Last evaluated: 2023-12-27. Review status: criteria provided, single submitter. Criteria: ACMG Guidelines, 2015. Collection method: clinical testing. Allele origin: germline.

Color Diagnostics, LLC DBA Color Health
Classification: Likely benign for Neurofibromatosis, type 2. Last evaluated: 2022-03-09. Review status: criteria provided, single submitter. Criteria: ACMG Guidelines, 2015. Collection method: clinical testing. Allele origin: germline.

Ambry Genetics
Classification: Likely benign for Hereditary cancer-predisposing syndrome. Last evaluated: 2019-01-02. Review status: criteria provided, single submitter. Criteria: Ambry Variant Classification Scheme 2023. Collection method: clinical testing. Allele origin: germline.

ITMI
No classification provided. Condition: AllHighlyPenetrant. Last evaluated: 2013-09-19. Review status: no classification provided. Collection method: reference population. Allele origin: germline. Not counted in ClinVar's aggregate classification.
Comment: Please see associated publication for description of ethnicities

Literature cited by the submitters: PubMed 24728327 (cited by Ambry Genetics and ITMI).